The following is an entry in ClinVar:

ClinVar aggregate classification (germline): Uncertain significance (1 of 4 stars; one submission).

Conditions:
Inborn genetic diseases. Identifiers: MedGen C0950123, MeSH D030342.

Submission:

Ambry Genetics
Classification: Uncertain significance for Inborn genetic diseases. Last evaluated: 2025-09-19. Review status: criteria provided, single submitter. Criteria: Ambry Variant Classification Scheme 2023. Collection method: clinical testing. Allele origin: germline.
Comment: The p.G196V variant (also known as c.587G>T), located in coding exon 4 of the ELANE gene, results from a G to T substitution at nucleotide position 587. The glycine at codon 196 is replaced by valine, an amino acid with dissimilar properties. This amino acid position is conserved. In addition, this alteration is predicted to be deleterious by in silico analysis. Based on the available evidence, the clinical significance of this variant remains unclear.

NM_001972.4(ELANE):c.587G>T (p.Gly196Val)

Gene: ELANE (elastase, neutrophil expressed; plus strand). Cytogenetic location: 19p13.3.
Variant type: single nucleotide variant.
Coding change: c.587G>T on transcript NM_001972.4 (MANE Select); coding-DNA position 587, G replaced by T.
Protein change: p.Gly196Val; replaces glycine 196 with valine.
Molecular consequence: missense variant.
Genome position (GRCh38, 1-based): chr19:855,784, G>T. VCF-style: chr19-855784-G-T. GRCh37 (hg19) VCF-style: chr19-855784-G-T.
Other names: short protein forms G196V.
Identifiers: ClinVar variation 4618387 (VCV004618387.1).
Genomic context (GRCh38, chr19:855,784, plus strand): 5'-TGGTGACGTCCCTCTGCCGTCGCAGCAACGTCTGCACTCTCGTGAGGGGCCGGCAGGCCG[G>T]CGTCTGTTTCGTACGTGCCCTGGGTGTCCCTCTGCTCCCCACCCGCTCCCAGCCCGGACT-3'
Protein context (NP_001963.1, residues 186-206): VCTLVRGRQA[Gly196Val]VCFGDSGSPL